The following is an entry in ClinVar:

ClinVar aggregate classification (germline): Pathogenic (1 of 4 stars; one submission).

Conditions:
Juvenile polyposis syndrome (JPS). Identifiers: Orphanet 2929, MedGen C0345893, MONDO:0017380, OMIM 174900.

Submission:

Labcorp Genetics (formerly Invitae), Labcorp
Classification: Pathogenic for Juvenile polyposis syndrome. Last evaluated: 2019-12-05. Review status: criteria provided, single submitter. Criteria: Invitae Variant Classification Sherloc (09022015). Collection method: clinical testing. Allele origin: germline.
Comment: For these reasons, this variant has been classified as Pathogenic. Loss-of-function variants in BMPR1A are known to be pathogenic (PMID: 11536076, 12417513). This variant has not been reported in the literature in individuals with BMPR1A-related conditions. This variant is not present in population databases (ExAC no frequency). This sequence change creates a premature translational stop signal (p.Gln423Serfs*13) in the BMPR1A gene. It is expected to result in an absent or disrupted protein product.

Literature cited by the submitters: PubMed 11536076; PubMed 12417513.

NM_004329.3(BMPR1A):c.1267del (p.Gln423fs)

Gene: BMPR1A (bone morphogenetic protein receptor type 1A; plus strand). Cytogenetic location: 10q23.2.
Variant type: Deletion.
Coding change: c.1267del on transcript NM_004329.3 (MANE Select); coding-DNA position 1267, one base deleted (C; older notation c.1267delC).
Protein change: p.Gln423fs; shifts the reading frame from glutamine 423.
Molecular consequence: frameshift variant.
Genome position (GRCh38, 1-based): chr10:86,921,620, C deleted; the last of 2 consecutive C bases (chr10:86,921,619-86,921,620); deleting either gives the same sequence. VCF-style (leftmost placement, unchanged base first): chr10-86921618-TC-T. GRCh37 (hg19) VCF-style: chr10-88681375-TC-T.
Other names: short protein forms Q423fs.
Identifiers: ClinVar variation 646709 (VCV000646709.9), dbSNP rs1589292655, ClinGen allele CA915947546.